The following is an entry in ClinVar:

NM_015338.6(ASXL1):c.2812C>T (p.Pro938Ser)

Gene: ASXL1 (ASXL transcriptional regulator 1; plus strand). Cytogenetic location: 20q11.21.
Variant type: single nucleotide variant.
Coding change: c.2812C>T on transcript NM_015338.6 (MANE Select); coding-DNA position 2812, C replaced by T.
Protein change: p.Pro938Ser; replaces proline 938 with serine.
Molecular consequence: missense variant.
Genome position (GRCh38, 1-based): chr20:32,435,524, C>T. VCF-style: chr20-32435524-C-T. GRCh37 (hg19) VCF-style: chr20-31023327-C-T.
Other names: c.2629C>T, p.Pro877Ser (NM_001363734.1); short protein forms P877S, P938S.
Identifiers: ClinVar variation 2023159 (VCV002023159.4), dbSNP rs1569333471, ClinGen allele CA408561372.

ClinVar aggregate classification (germline): Uncertain significance (1 of 4 stars; one submission).

gnomAD v4.1: 1 of 1,614,056 alleles (0.000062%); highest among the groups gnomAD compares: South Asian, 0.0011%; no homozygotes.

Submission:

Labcorp Genetics (formerly Invitae), Labcorp
Classification: Uncertain significance. Last evaluated: 2022-08-26. Review status: criteria provided, single submitter. Criteria: Invitae Variant Classification Sherloc (09022015). Collection method: clinical testing. Allele origin: germline.
Comment: This sequence change replaces proline, which is neutral and non-polar, with serine, which is neutral and polar, at codon 938 of the ASXL1 protein (p.Pro938Ser). This variant is not present in population databases (gnomAD no frequency). This variant has not been reported in the literature in individuals affected with ASXL1-related conditions. Algorithms developed to predict the effect of missense changes on protein structure and function output the following: SIFT: "Tolerated"; PolyPhen-2: "Benign"; Align-GVGD: "Class C0". The serine amino acid residue is found in multiple mammalian species, which suggests that this missense change does not adversely affect protein function. In summary, the available evidence is currently insufficient to determine the role of this variant in disease. Therefore, it has been classified as a Variant of Uncertain Significance.